The following is an entry in ClinVar:

NM_020655.4(JPH3):c.460G>C (p.Ala154Pro)

Gene: JPH3 (junctophilin 3; plus strand). Cytogenetic location: 16q24.2.
Variant type: single nucleotide variant.
Coding change: c.460G>C on transcript NM_020655.4 (MANE Select); coding-DNA position 460, G replaced by C.
Protein change: p.Ala154Pro; replaces alanine 154 with proline.
Molecular consequence: missense variant. On other transcripts: non-coding transcript variant (1).
Genome position (GRCh38, 1-based): chr16:87,644,335, G>C. VCF-style: chr16-87644335-G-C. GRCh37 (hg19) VCF-style: chr16-87677941-G-C.
Other names: short protein forms A154P.
Identifiers: ClinVar variation 3055226 (VCV003055226.2), dbSNP rs146321235, ClinGen allele CA8220707.

ClinVar aggregate classification (germline): Likely benign (0 of 4 stars; one submission).

Conditions:
JPH3-related disorder. Also called: JPH3-related condition.

gnomAD v4.1: 23 of 1,612,844 alleles (0.0014%); highest among the groups gnomAD compares: Admixed American, 0.037%; no homozygotes.

Submission:

PreventionGenetics, part of Exact Sciences
Classification: Likely benign for JPH3-related condition. Last evaluated: 2022-12-20. Review status: no assertion criteria provided. Collection method: clinical testing. Allele origin: germline.
Comment: This variant is classified as likely benign based on ACMG/AMP sequence variant interpretation guidelines (Richards et al. 2015 PMID: 25741868, with internal and published modifications).